The following is an entry in ClinVar:

ClinVar aggregate classification (germline): Uncertain significance (1 of 4 stars; one submission).

Allele frequency attached by ClinVar (database versions not stated): gnomAD 0.00002; TOPMed 0.00002; 1000 Genomes Project 30x 0.00016.
gnomAD v4.1: 10 of 1,614,210 alleles (0.00062%); highest among the groups gnomAD compares: Admixed American, 0.0033%; no homozygotes.

Submission:

Labcorp Genetics (formerly Invitae), Labcorp
Classification: Uncertain significance. Last evaluated: 2021-05-17. Review status: criteria provided, single submitter. Criteria: Invitae Variant Classification Sherloc (09022015). Collection method: clinical testing. Allele origin: germline.
Comment: This variant is not present in population databases (ExAC no frequency). In summary, the available evidence is currently insufficient to determine the role of this variant in disease. Therefore, it has been classified as a Variant of Uncertain Significance. Algorithms developed to predict the effect of sequence changes on RNA splicing suggest that this variant may create or strengthen a splice site, but this prediction has not been confirmed by published transcriptional studies. Algorithms developed to predict the effect of missense changes on protein structure and function output the following: SIFT: "Tolerated"; PolyPhen-2: "Benign"; Align-GVGD: "Class C0". The glutamine amino acid residue is found in multiple mammalian species, suggesting that this missense change does not adversely affect protein function. These predictions have not been confirmed by published functional studies and their clinical significance is uncertain. This variant has not been reported in the literature in individuals with EXTL3-related conditions. This sequence change replaces arginine with glutamine at codon 546 of the EXTL3 protein (p.Arg546Gln). The arginine residue is highly conserved and there is a small physicochemical difference between arginine and glutamine.

NM_001440.4(EXTL3):c.1637G>A (p.Arg546Gln)

Gene: EXTL3 (exostosin like glycosyltransferase 3; plus strand). Cytogenetic location: 8p21.1.
Variant type: single nucleotide variant.
Coding change: c.1637G>A on transcript NM_001440.4 (MANE Select); coding-DNA position 1637, G replaced by A.
Protein change: p.Arg546Gln; replaces arginine 546 with glutamine.
Molecular consequence: missense variant.
Genome position (GRCh38, 1-based): chr8:28,717,696, G>A. VCF-style: chr8-28717696-G-A. GRCh37 (hg19) VCF-style: chr8-28575213-G-A.
Other names: short protein forms R546Q.
Identifiers: ClinVar variation 1504699 (VCV001504699.6), dbSNP rs143705855, ClinGen allele CA174387426.